The following is an entry in ClinVar:

ClinVar aggregate classification (germline): Uncertain significance (1 of 4 stars; one submission).

Conditions:
Early-infantile DEE. Also called: Early infantile epileptic encephalopathy; Ohtahara syndrome; Early infantile epileptic encephalopathy with suppression bursts. Identifiers: Orphanet 1934, MedGen C0393706, MONDO:0800491.

gnomAD v4.1: 5 of 1,346,584 alleles (0.00037%); highest among the groups gnomAD compares: Non-Finnish European, 0.00047%; no homozygotes.

Submission:

Labcorp Genetics (formerly Invitae), Labcorp
Classification: Uncertain significance for Early-infantile DEE. Last evaluated: 2024-06-04. Review status: criteria provided, single submitter. Criteria: Invitae Variant Classification Sherloc (09022015). Collection method: clinical testing. Allele origin: germline.
Comment: This sequence change replaces glycine, which is neutral and non-polar, with serine, which is neutral and polar, at codon 49 of the HCN1 protein (p.Gly49Ser). This variant is not present in population databases (gnomAD no frequency). This variant has not been reported in the literature in individuals affected with HCN1-related conditions. ClinVar contains an entry for this variant (Variation ID: 2114588). Advanced modeling of protein sequence and biophysical properties (such as structural, functional, and spatial information, amino acid conservation, physicochemical variation, residue mobility, and thermodynamic stability) performed at Invitae indicates that this missense variant is not expected to disrupt HCN1 protein function with a negative predictive value of 95%. In summary, the available evidence is currently insufficient to determine the role of this variant in disease. Therefore, it has been classified as a Variant of Uncertain Significance.

NM_021072.4(HCN1):c.145G>A (p.Gly49Ser)

Gene: HCN1 (hyperpolarization activated cyclic nucleotide gated potassium channel 1; minus strand). Cytogenetic location: 5p12.
Variant type: single nucleotide variant.
Coding change: c.145G>A on transcript NM_021072.4 (MANE Select); coding-DNA position 145, G replaced by A.
Protein change: p.Gly49Ser; replaces glycine 49 with serine.
Molecular consequence: missense variant.
Genome position (GRCh38, 1-based): chr5:45,695,949, C>T on the plus strand (G>A on the coding strand, the complement: HCN1 is on the minus strand). VCF-style: chr5-45695949-C-T. GRCh37 (hg19) VCF-style: chr5-45696051-C-T.
Other names: short protein forms G49S.
Identifiers: ClinVar variation 2114588 (VCV002114588.4), dbSNP rs1214766208, ClinGen allele CA359706659.
Genomic context (GRCh38, chr5:45,695,949, plus strand): 5'-CGCCACCGCCGCCACCGCCGTCCACCTTGAAGCACACGGAGTTGCCGTGCTCCTTCGCGC[C>T]GGCCCCGCCGCCCCCCGGCGGGGTGCCCAGGCGCTTCTCGGCCGCGGCCGGCCCCGCGCC-3'
Protein context (NP_066550.2, residues 39-59): LGTPPGGGGA[Gly49Ser]AKEHGNSVCF